The following is an entry in ClinVar:

ClinVar aggregate classification (germline): Benign (0 of 4 stars; one submission).

Conditions:
PAK1-related disorder. Also called: PAK1-related condition.

Allele frequency attached by ClinVar (database versions not stated): 1000 Genomes Project 0.00859; 1000 Genomes Project 30x 0.00874; TOPMed 0.01364; ExAC 0.01367; gnomAD 0.01368; ESP Exome Variant Server 0.01617.
gnomAD v4.1: 26,000 of 1,609,066 alleles (1.6%); highest among the groups gnomAD compares: Non-Finnish European, 1.8%; 252 homozygotes.

Submissions 1 to 30 of 64:

PreventionGenetics, part of Exact Sciences
Classification: Benign for PAK1-related condition. Last evaluated: 2019-02-21. Review status: no assertion criteria provided. Collection method: clinical testing. Allele origin: germline.
Comment: This variant is classified as benign based on ACMG/AMP sequence variant interpretation guidelines (Richards et al. 2015 PMID: 25741868, with internal and published modifications).

Dr. Peter K. Rogan Lab, Western University
No classification provided (evidence only). Condition: Clear cell carcinoma of kidney. Review status: no classification provided. Collection method: in vitro. Allele origin: not applicable. Functional consequence: retained intron. Not counted in ClinVar's aggregate classification.

Dr. Peter K. Rogan Lab, Western University
No classification provided (evidence only). Condition: Clear cell carcinoma of kidney. Review status: no classification provided. Collection method: in vitro. Allele origin: not applicable. Functional consequence: retained intron. Not counted in ClinVar's aggregate classification.

Dr. Peter K. Rogan Lab, Western University
No classification provided (evidence only). Condition: Clear cell carcinoma of kidney. Review status: no classification provided. Collection method: in vitro. Allele origin: not applicable. Functional consequence: retained intron. Not counted in ClinVar's aggregate classification.

Dr. Peter K. Rogan Lab, Western University
No classification provided (evidence only). Condition: Clear cell carcinoma of kidney. Review status: no classification provided. Collection method: in vitro. Allele origin: not applicable. Functional consequence: retained intron. Not counted in ClinVar's aggregate classification.

Dr. Peter K. Rogan Lab, Western University
No classification provided (evidence only). Condition: Lung cancer. Review status: no classification provided. Collection method: in vitro. Allele origin: not applicable. Functional consequence: retained intron. Not counted in ClinVar's aggregate classification.

Dr. Peter K. Rogan Lab, Western University
No classification provided (evidence only). Condition: Lung cancer. Review status: no classification provided. Collection method: in vitro. Allele origin: not applicable. Functional consequence: retained intron. Not counted in ClinVar's aggregate classification.

Dr. Peter K. Rogan Lab, Western University
No classification provided (evidence only). Condition: Lung cancer. Review status: no classification provided. Collection method: in vitro. Allele origin: not applicable. Functional consequence: retained intron. Not counted in ClinVar's aggregate classification.

Dr. Peter K. Rogan Lab, Western University
No classification provided (evidence only). Condition: Lung cancer. Review status: no classification provided. Collection method: in vitro. Allele origin: not applicable. Functional consequence: retained intron. Not counted in ClinVar's aggregate classification.

Dr. Peter K. Rogan Lab, Western University
No classification provided (evidence only). Condition: Lung cancer. Review status: no classification provided. Collection method: in vitro. Allele origin: not applicable. Functional consequence: retained intron. Not counted in ClinVar's aggregate classification.

Dr. Peter K. Rogan Lab, Western University
No classification provided (evidence only). Condition: Lung cancer. Review status: no classification provided. Collection method: in vitro. Allele origin: not applicable. Functional consequence: skipped exon. Not counted in ClinVar's aggregate classification.

Dr. Peter K. Rogan Lab, Western University
No classification provided (evidence only). Condition: Lung cancer. Review status: no classification provided. Collection method: in vitro. Allele origin: not applicable. Functional consequence: skipped exon. Not counted in ClinVar's aggregate classification.

Dr. Peter K. Rogan Lab, Western University
No classification provided (evidence only). Condition: Melanoma. Review status: no classification provided. Collection method: in vitro. Allele origin: not applicable. Functional consequence: retained intron. Not counted in ClinVar's aggregate classification.

Dr. Peter K. Rogan Lab, Western University
No classification provided (evidence only). Condition: Acute myeloid leukemia. Review status: no classification provided. Collection method: in vitro. Allele origin: not applicable. Functional consequence: skipped exon, retained intron. Not counted in ClinVar's aggregate classification.

Dr. Peter K. Rogan Lab, Western University
No classification provided (evidence only). Condition: Acute myeloid leukemia. Review status: no classification provided. Collection method: in vitro. Allele origin: not applicable. Functional consequence: retained intron. Not counted in ClinVar's aggregate classification.

Dr. Peter K. Rogan Lab, Western University
No classification provided (evidence only). Condition: Acute myeloid leukemia. Review status: no classification provided. Collection method: in vitro. Allele origin: not applicable. Functional consequence: retained intron. Not counted in ClinVar's aggregate classification.

Dr. Peter K. Rogan Lab, Western University
No classification provided (evidence only). Condition: Acute myeloid leukemia. Review status: no classification provided. Collection method: in vitro. Allele origin: not applicable. Functional consequence: skipped exon, retained intron. Not counted in ClinVar's aggregate classification.

Dr. Peter K. Rogan Lab, Western University
No classification provided (evidence only). Condition: Acute myeloid leukemia. Review status: no classification provided. Collection method: in vitro. Allele origin: not applicable. Functional consequence: retained intron. Not counted in ClinVar's aggregate classification.

Dr. Peter K. Rogan Lab, Western University
No classification provided (evidence only). Condition: Colon adenocarcinoma. Review status: no classification provided. Collection method: in vitro. Allele origin: not applicable. Functional consequence: retained intron. Not counted in ClinVar's aggregate classification.

Dr. Peter K. Rogan Lab, Western University
No classification provided (evidence only). Condition: Colon adenocarcinoma. Review status: no classification provided. Collection method: in vitro. Allele origin: not applicable. Functional consequence: retained intron. Not counted in ClinVar's aggregate classification.

Dr. Peter K. Rogan Lab, Western University
No classification provided (evidence only). Condition: Colon adenocarcinoma. Review status: no classification provided. Collection method: in vitro. Allele origin: not applicable. Functional consequence: retained intron. Not counted in ClinVar's aggregate classification.

Dr. Peter K. Rogan Lab, Western University
No classification provided (evidence only). Condition: Colon adenocarcinoma. Review status: no classification provided. Collection method: in vitro. Allele origin: not applicable. Functional consequence: skipped exon, retained intron. Not counted in ClinVar's aggregate classification.

Dr. Peter K. Rogan Lab, Western University
No classification provided (evidence only). Condition: Colorectal cancer. Review status: no classification provided. Collection method: in vitro. Allele origin: not applicable. Functional consequence: retained intron. Not counted in ClinVar's aggregate classification.

Dr. Peter K. Rogan Lab, Western University
No classification provided (evidence only). Condition: Thyroid cancer, nonmedullary, 1. Review status: no classification provided. Collection method: in vitro. Allele origin: not applicable. Functional consequence: skipped exon, retained intron. Not counted in ClinVar's aggregate classification.

Dr. Peter K. Rogan Lab, Western University
No classification provided (evidence only). Condition: Thyroid cancer, nonmedullary, 1. Review status: no classification provided. Collection method: in vitro. Allele origin: not applicable. Functional consequence: skipped exon, retained intron. Not counted in ClinVar's aggregate classification.

Dr. Peter K. Rogan Lab, Western University
No classification provided (evidence only). Condition: Thyroid cancer, nonmedullary, 1. Review status: no classification provided. Collection method: in vitro. Allele origin: not applicable. Functional consequence: skipped exon, retained intron. Not counted in ClinVar's aggregate classification.

Dr. Peter K. Rogan Lab, Western University
No classification provided (evidence only). Condition: Thyroid cancer, nonmedullary, 1. Review status: no classification provided. Collection method: in vitro. Allele origin: not applicable. Functional consequence: skipped exon, retained intron. Not counted in ClinVar's aggregate classification.

Dr. Peter K. Rogan Lab, Western University
No classification provided (evidence only). Condition: Thyroid cancer, nonmedullary, 1. Review status: no classification provided. Collection method: in vitro. Allele origin: not applicable. Functional consequence: skipped exon, retained intron. Not counted in ClinVar's aggregate classification.

Dr. Peter K. Rogan Lab, Western University
No classification provided (evidence only). Condition: Thyroid cancer, nonmedullary, 1. Review status: no classification provided. Collection method: in vitro. Allele origin: not applicable. Functional consequence: skipped exon, retained intron. Not counted in ClinVar's aggregate classification.

Dr. Peter K. Rogan Lab, Western University
No classification provided (evidence only). Condition: Thyroid cancer, nonmedullary, 1. Review status: no classification provided. Collection method: in vitro. Allele origin: not applicable. Functional consequence: skipped exon. Not counted in ClinVar's aggregate classification.

NM_002576.5(PAK1):c.291G>A (p.Thr97=)

Gene: PAK1 (p21 (RAC1) activated kinase 1; minus strand). Cytogenetic location: 11q13.5.
Variant type: single nucleotide variant.
Coding change: c.291G>A on transcript NM_002576.5 (MANE Select); coding-DNA position 291, G replaced by A.
Protein change: p.Thr97=; no amino-acid change (threonine 97 retained).
Molecular consequence: synonymous variant. On other transcripts: 5 prime UTR variant (2), non-coding transcript variant (2), intron variant (2).
Genome position (GRCh38, 1-based): chr11:77,379,894, C>T on the plus strand (G>A on the coding strand, the complement: PAK1 is on the minus strand). VCF-style: chr11-77379894-C-T. GRCh37 (hg19) VCF-style: chr11-77090939-C-T.
Other names: NC_000011.9:g.77090939C>T; c.291G>A, p.Thr97= (NM_001128620.2, NM_001376268.1, NM_001376269.1 and 27 more transcripts); c.-4G>A (NM_001376302.1, NM_001376305.1); c.-3-506G>A (NM_001376304.1); c.191-5529G>A (NM_001376301.1).
Identifiers: ClinVar variation 3038097 (VCV003038097.3), dbSNP rs1130059, ClinGen allele CA6200167.
Genomic context (GRCh38, chr11:77,379,894, plus strand): 5'-CTAACAGTGCACAGCCAGAACTCTAAAAGACTAAAGACCTTTCTGTGACCCAGGACTTAC[C>T]GTAAACTCCCCTGTGACAGCATCAAAACCGACATGAATTGTGTGTTCAAAATCTGAAGGG-3'
Protein context (NP_002567.3, residues 87-107): VGFDAVTGEF[Thr97=]GMPEQWARLL